The following is an entry in ClinVar:

ClinVar aggregate classification (germline): Uncertain significance (1 of 4 stars; one submission).

Conditions:
Autoimmune interstitial lung disease-arthritis syndrome. Also called: Autoinflammation and autoimmunity, systemic, with immune dysregulation. Identifiers: Orphanet 444092, MedGen C5975714, MONDO:0014629.

Submission:

Labcorp Genetics (formerly Invitae), Labcorp
Classification: Uncertain significance for Autoimmune interstitial lung disease-arthritis syndrome. Last evaluated: 2024-06-06. Review status: criteria provided, single submitter. Criteria: Invitae Variant Classification Sherloc (09022015). Collection method: clinical testing. Allele origin: germline.
Comment: This sequence change replaces serine, which is neutral and polar, with asparagine, which is neutral and polar, at codon 389 of the COPA protein (p.Ser389Asn). This variant is not present in population databases (gnomAD no frequency). This variant has not been reported in the literature in individuals affected with COPA-related conditions. Advanced modeling of protein sequence and biophysical properties (such as structural, functional, and spatial information, amino acid conservation, physicochemical variation, residue mobility, and thermodynamic stability) performed at Invitae indicates that this missense variant is not expected to disrupt COPA protein function with a negative predictive value of 80%. In summary, the available evidence is currently insufficient to determine the role of this variant in disease. Therefore, it has been classified as a Variant of Uncertain Significance.

NM_004371.4(COPA):c.1166G>A (p.Ser389Asn)

Gene: COPA (coat protein complex I subunit alpha; minus strand). Cytogenetic location: 1q23.2.
Variant type: single nucleotide variant.
Coding change: c.1166G>A on transcript NM_004371.4 (MANE Select); coding-DNA position 1166, G replaced by A.
Protein change: p.Ser389Asn; replaces serine 389 with asparagine.
Molecular consequence: missense variant.
Genome position (GRCh38, 1-based): chr1:160,309,154, C>T on the plus strand (G>A on the coding strand, the complement: COPA is on the minus strand). VCF-style: chr1-160309154-C-T. GRCh37 (hg19) VCF-style: chr1-160278944-C-T.
Other names: c.1166G>A, p.Ser389Asn (NM_001098398.2); short protein forms S389N.
Identifiers: ClinVar variation 3655798 (VCV003655798.2).
Genomic context (GRCh38, chr1:160,309,154, plus strand): 5'-CACTTACCATCAGGATTCTGGGAGTCAGCATCTTTAGGGATGGTGTACAGGTCATAGGTA[C>T]TATTCTCTAGATTGCTAGCTCTCTGTAGAAGAAAAGGGGAAATTAAAATGTTAGTGAGAA-3'
Protein context (NP_004362.2, residues 379-399): LCTRASNLEN[Ser389Asn]TYDLYTIPKD